The following is an entry in ClinVar:

NM_015338.6(ASXL1):c.3884G>A (p.Ser1295Asn)

Gene: ASXL1 (ASXL transcriptional regulator 1; plus strand). Cytogenetic location: 20q11.21.
Variant type: single nucleotide variant.
Coding change: c.3884G>A on transcript NM_015338.6 (MANE Select); coding-DNA position 3884, G replaced by A.
Protein change: p.Ser1295Asn; replaces serine 1295 with asparagine.
Molecular consequence: missense variant.
Genome position (GRCh38, 1-based): chr20:32,436,596, G>A. VCF-style: chr20-32436596-G-A. GRCh37 (hg19) VCF-style: chr20-31024399-G-A.
Other names: c.3701G>A, p.Ser1234Asn (NM_001363734.1); short protein forms S1234N, S1295N.
Identifiers: ClinVar variation 1476985 (VCV001476985.8), dbSNP rs1180789984, ClinGen allele CA408563996.
Genomic context (GRCh38, chr20:32,436,596, plus strand): 5'-CATCTCCAAATGTGATCTCCTTTGGTCCAGAGCAGACAGGTCGGGCCCTGGGTGATCAGA[G>A]CAATGTTACAGGCCAAGGGAAGAAGCTTTTTGGCTCTGGGAATGTGGCTGCAACCCTTCA-3'
Protein context (NP_056153.2, residues 1285-1305): EQTGRALGDQ[Ser1295Asn]NVTGQGKKLF

ClinVar aggregate classification (germline): Uncertain significance (1 of 4 stars; one submission).

Allele frequency attached by ClinVar (database versions not stated): gnomAD exomes below 0.00001 and 0.00001.
gnomAD v4.1: 4 of 1,614,204 alleles (0.00025%); highest among the groups gnomAD compares: African/African-American, 0.0027%; no homozygotes.

Submission:

Labcorp Genetics (formerly Invitae), Labcorp
Classification: Uncertain significance. Last evaluated: 2023-07-07. Review status: criteria provided, single submitter. Criteria: Invitae Variant Classification Sherloc (09022015). Collection method: clinical testing. Allele origin: germline.
Comment: In summary, the available evidence is currently insufficient to determine the role of this variant in disease. Therefore, it has been classified as a Variant of Uncertain Significance. Algorithms developed to predict the effect of missense changes on protein structure and function output the following: SIFT: "Not Available"; PolyPhen-2: "Benign"; Align-GVGD: "Not Available". The asparagine amino acid residue is found in multiple mammalian species, which suggests that this missense change does not adversely affect protein function. ClinVar contains an entry for this variant (Variation ID: 1476985). This variant has not been reported in the literature in individuals affected with ASXL1-related conditions. This variant is present in population databases (no rsID available, gnomAD 0.007%). This sequence change replaces serine, which is neutral and polar, with asparagine, which is neutral and polar, at codon 1295 of the ASXL1 protein (p.Ser1295Asn).